The following is an entry in ClinVar:

NM_015338.6(ASXL1):c.4316C>T (p.Ala1439Val)

Gene: ASXL1 (ASXL transcriptional regulator 1; plus strand). Cytogenetic location: 20q11.21.
Variant type: single nucleotide variant.
Coding change: c.4316C>T on transcript NM_015338.6 (MANE Select); coding-DNA position 4316, C replaced by T.
Protein change: p.Ala1439Val; replaces alanine 1439 with valine.
Molecular consequence: missense variant.
Genome position (GRCh38, 1-based): chr20:32,437,028, C>T. VCF-style: chr20-32437028-C-T. GRCh37 (hg19) VCF-style: chr20-31024831-C-T.
Other names: c.4133C>T, p.Ala1378Val (NM_001363734.1); short protein forms A1378V, A1439V.
Identifiers: ClinVar variation 5030172 (VCV005030172.1).

ClinVar aggregate classification (germline): Uncertain significance (1 of 4 stars; one submission).

Conditions:
Inborn genetic diseases. Identifiers: MedGen C0950123, MeSH D030342.

Submission:

Ambry Genetics
Classification: Uncertain significance for Inborn genetic diseases. Last evaluated: 2026-08-02. Review status: criteria provided, single submitter. Criteria: Ambry Variant Classification Scheme 2023. Collection method: clinical testing. Allele origin: germline.
Comment: The p.A1439V variant (also known as c.4316C>T), located in coding exon 13 of the ASXL1 gene, results from a C to T substitution at nucleotide position 4316. The alanine at codon 1439 is replaced by valine, an amino acid with similar properties. This amino acid position is conserved. In addition, this alteration is predicted to be tolerated by in silico analysis. Based on the available evidence, the clinical significance of this variant remains unclear.